The following is an entry in ClinVar:

ClinVar aggregate classification (germline): Uncertain significance. Review status: criteria provided, multiple submitters, no conflicts (2 of 4 stars). 2 submissions from 2 submitters: Uncertain significance (2). Last evaluated 2025-12-11.

gnomAD v4.1: 11 of 1,612,484 alleles (0.00068%); highest among the groups gnomAD compares: Non-Finnish European, 0.00085%; no homozygotes.

Submissions (2):

Ambry Genetics
Classification: Uncertain significance. Last evaluated: 2025-12-11. Review status: criteria provided, single submitter. Criteria: Ambry Variant Classification Scheme 2023. Collection method: clinical testing. Allele origin: germline.

Labcorp Genetics (formerly Invitae), Labcorp
Classification: Uncertain significance. Last evaluated: 2025-03-20. Review status: criteria provided, single submitter. Criteria: Invitae Variant Classification Sherloc (09022015). Collection method: clinical testing. Allele origin: germline.
Comment: This sequence change replaces threonine, which is neutral and polar, with isoleucine, which is neutral and non-polar, at codon 536 of the DHX32 protein (p.Thr536Ile). This variant is present in population databases (no rsID available, gnomAD 0.007%). This variant has not been reported in the literature in individuals affected with DHX32-related conditions. An algorithm developed to predict the effect of missense changes on protein structure and function (PolyPhen-2) suggests that this variant is likely to be tolerated. In summary, the available evidence is currently insufficient to determine the role of this variant in disease. Therefore, it has been classified as a Variant of Uncertain Significance.

NM_018180.3(DHX32):c.1607C>T (p.Thr536Ile)

Genes: BCCIP (BRCA2 and CDKN1A interacting protein; plus strand), DHX32 (DEAH-box helicase 32 (putative); minus strand). Cytogenetic location: 10q26.2.
Variant type: single nucleotide variant.
Coding change: c.1607C>T on transcript NM_018180.3 (MANE Select); coding-DNA position 1607, C replaced by T.
Protein change: p.Thr536Ile; replaces threonine 536 with isoleucine.
Molecular consequence: missense variant. On other transcripts: intron variant (2).
Genome position (GRCh38, 1-based): chr10:125,840,933, G>A on the plus strand (C>T on the coding strand, the complement: DHX32 is on the minus strand). VCF-style: chr10-125840933-G-A. GRCh37 (hg19) VCF-style: chr10-127529502-G-A.
Other names: c.775-322G>A (NM_016567.4, NM_078469.3); short protein forms T536I.
Identifiers: ClinVar variation 4659957 (VCV004659957.2).